The following is an entry in ClinVar:

NM_013275.6:c.(?_-462)_(-145+1_-144-1)del

Gene: ANKRD11 (ankyrin repeat domain 11; minus strand).
Variant type: Deletion.
Other names: c.(?_-462)_(-145+1_-144-1)del (NM_013275.6).
Identifiers: ClinVar variation 3629763 (VCV003629763.1).

ClinVar aggregate classification (germline): Likely pathogenic (1 of 4 stars; one submission).

Conditions:
KBG syndrome (KBGS). Also called: ANKRD11-Related KBG Syndrome. Identifiers: Orphanet 2332, MedGen C0220687, MONDO:0007846, OMIM 148050.

Submission:

Women's Health and Genetics/Laboratory Corporation of America, LabCorp
Classification: Likely pathogenic for KBG syndrome. Last evaluated: 2024-11-08. Review status: criteria provided, single submitter. Criteria: LabCorp Variant Classification Summary - May 2015. Collection method: clinical testing. Allele origin: germline.
Comment: Variant summary: The variant involves the deletion of non-coding exon 1 in the ANKRD11 gene. A presumed nomenclature of c.(?_-462)_(-145+1_-144-1)del has been designated for the purposes of this classification. The variant was absent in 21694 control chromosomes. c.(?_-462)_(-145+1_-144-1)del has been reported in the literature in multiple individuals affected with KBG Syndrome, including at least one de novo occurrence (e.g. Martinez-Cayuelas_2023, Borja_2022, Goldenburg_2016). These data indicate that the variant is likely to be associated with disease. One publication reports experimental evidence showing the variant led to significantly reduced transcriptional expression in the patient carrying heterozygous exon 1 deletion (e.g. Borja_2022). The following publications have been ascertained in the context of this evaluation (PMID: 36446582, 36628575, 27605097). ClinVar contains an entry for this variant (Variation ID: 1526554). Based on the evidence outlined above, the variant was classified as likely pathogenic.

Literature cited by the submitters: PubMed 25125236; PubMed 36628575; PubMed 37964495; PubMed 27605097; PubMed 36446582.